The following is an entry in ClinVar:

NM_007294.4(BRCA1):c.-10A>G

Gene: BRCA1 (BRCA1 DNA repair associated; minus strand). Cytogenetic location: 17q21.31.
Variant type: single nucleotide variant.
Coding change: c.-10A>G on transcript NM_007294.4 (MANE Select); 10 bases upstream of the start codon, A replaced by G.
Molecular consequence: 5 prime UTR variant. On other transcripts: non-coding transcript variant (1).
Genome position (GRCh38, 1-based): chr17:43,124,106, T>C on the plus strand (A>G on the coding strand, the complement: BRCA1 is on the minus strand). VCF-style: chr17-43124106-T-C. GRCh37 (hg19) VCF-style: chr17-41276123-T-C.
Other names: c.-270A>G (NM_001407943.1, NM_001407944.1, NM_001408410.1 and 22 more transcripts); c.-97A>G (NM_001407945.1, NM_001408454.1, NM_001408459.1 and 21 more transcripts); c.-198A>G (NM_001407946.1, NM_001407947.1, NM_001407948.1 and 42 more transcripts); c.-317A>G (NM_001407954.1, NM_001408513.1, NM_001407917.1); c.-429A>G (NM_001407965.1); c.-10A>G (NM_001407968.1, NM_001407969.1, NM_001407970.1 and 169 more transcripts); c.-267A>G (NM_001408455.1, NM_001408456.1, NM_001408468.1 and 11 more transcripts); c.-271A>G (NM_001408465.1, NM_001407695.1); and 8 more.
Identifiers: ClinVar variation 867658 (VCV000867658.3), dbSNP rs748057929, ClinGen allele CA916081155.

Conditions:
Breast-ovarian cancer, familial, susceptibility to, 1 (BROVCA1). Also called: BRCA1 Hereditary Breast and Ovarian Cancer; OVARIAN CANCER, SUSCEPTIBILITY TO. Identifiers: Orphanet 145, MedGen C2676676, MONDO:0011450, OMIM 604370. Disease mechanism: loss of function.

Submission:

Brotman Baty Institute, University of Washington
No classification provided (evidence only). Condition: Breast-ovarian cancer, familial 1. Review status: no classification provided. Collection method: in vitro. Allele origin: not applicable. Functional consequence: functionally_normal.
ClinVar note: "not provided" was previously submitted as the classification for the variant. However, the classification appeared to be based only on an observation of functional data so it was converted to no classification on 2025-07-30.